The following is an entry in ClinVar:

ClinVar aggregate classification (germline): Uncertain significance (1 of 4 stars; one submission).

Submission:

Women's Health and Genetics/Laboratory Corporation of America, LabCorp
Classification: Uncertain significance. Last evaluated: 2025-03-17. Review status: criteria provided, single submitter. Criteria: LabCorp Variant Classification Summary - May 2015. Collection method: clinical testing. Allele origin: germline.
Comment: Variant summary: RAI1 c.2398G>A (p.Gly800Arg) results in a non-conservative amino acid change in the encoded protein sequence. Four of five in-silico tools predict a benign effect of the variant on protein function. The variant was absent in 243990 control chromosomes (gnomAD). The available data on variant occurrences in the general population are insufficient to allow any conclusion about variant significance. To our knowledge, no occurrence of c.2398G>A in individuals affected with Smith-Magenis Syndrome and no experimental evidence demonstrating its impact on protein function have been reported. No submitters have cited clinical-significance assessments for this variant to ClinVar. Based on the evidence outlined above, the variant was classified as uncertain significance.

NM_030665.4(RAI1):c.2398G>A (p.Gly800Arg)

Gene: RAI1 (retinoic acid induced 1; plus strand). Cytogenetic location: 17p11.2.
Variant type: single nucleotide variant.
Coding change: c.2398G>A on transcript NM_030665.4 (MANE Select); coding-DNA position 2398, G replaced by A.
Protein change: p.Gly800Arg; replaces glycine 800 with arginine.
Molecular consequence: missense variant.
Genome position (GRCh38, 1-based): chr17:17,795,346, G>A. VCF-style: chr17-17795346-G-A. GRCh37 (hg19) VCF-style: chr17-17698660-G-A.
Other names: short protein forms G800R.
Identifiers: ClinVar variation 3895614 (VCV003895614.1).